The following is an entry in ClinVar:

NM_018344.6(SLC29A3):c.*755G>A

Gene: SLC29A3 (solute carrier family 29 member 3; plus strand). Cytogenetic location: 10q22.1.
Variant type: single nucleotide variant.
Coding change: c.*755G>A on transcript NM_018344.6 (MANE Select); 755 bases downstream of the stop codon, G replaced by A.
Molecular consequence: 3 prime UTR variant. On other transcripts: non-coding transcript variant (2).
Genome position (GRCh38, 1-based): chr10:71,363,363, G>A. VCF-style: chr10-71363363-G-A. GRCh37 (hg19) VCF-style: chr10-73123120-G-A.
Other names: c.*1412G>A (NM_001174098.2); c.*755G>A (NM_001363518.2).
Identifiers: ClinVar variation 878318 (VCV000878318.4), dbSNP rs180992605, ClinGen allele CA5543248.

ClinVar aggregate classification (germline): Likely benign (1 of 4 stars; one submission).

Conditions:
H syndrome. Also called: HISTIOCYTOSIS AND LYMPHADENOPATHY WITH OR WITHOUT CUTANEOUS, CARDIAC, AND/OR ENDOCRINE FEATURES, JOINT CONTRACTURES, AND/OR DEAFNESS; HYPERPIGMENTATION, CUTANEOUS, WITH HYPERTRICHOSIS, HEPATOSPLENOMEGALY, HEART ANOMALIES, AND HYPOGONADISM WITH OR WITHOUT HEARING LOSS; PIGMENTED HYPERTRICHOSIS WITH INSULIN-DEPENDENT DIABETES MELLITUS; ROSAI-DORFMAN DISEASE, FAMILIAL; SINUS HISTIOCYTOSIS AND MASSIVE LYMPHADENOPATHY; Hyperpigmentation, Cutaneous, with Hypertrichosis, Hepatosplenomegaly, Heart Anomalies, Hearing Loss, and Hypogonadism. Identifiers: Orphanet 168569, MedGen C1864445, MONDO:0011273, OMIM 602782.

Allele frequency attached by ClinVar (database versions not stated): TOPMed 0.00011; gnomAD 0.00012 and 0.00015; ExAC 0.00019; 1000 Genomes Project 0.00060; 1000 Genomes Project 30x 0.00078.

Submission:

Illumina Laboratory Services, Illumina
Classification: Likely benign for H syndrome. Last evaluated: 2018-01-12. Review status: criteria provided, single submitter. Criteria: ICSL Variant Classification Criteria 13 December 2019. Collection method: clinical testing. Allele origin: germline.
Comment: This variant was observed in the ICSL laboratory as part of a predisposition screen in an ostensibly healthy population. It had not been previously curated by ICSL or reported in the Human Gene Mutation Database (HGMD: prior to June 1st, 2018), and was therefore a candidate for classification through an automated scoring system. Utilizing variant allele frequency, disease prevalence and penetrance estimates, and inheritance mode, an automated score was calculated to assess if this variant is too frequent to cause the disease. Based on the score and internal cut-off values, a variant classified as likely benign is not then subjected to further curation. The score for this variant resulted in a classification of likely benign for this disease.